The following is an entry in ClinVar:

ClinVar aggregate classification (germline): Conflicting classifications of pathogenicity. Review status: criteria provided, conflicting classifications (1 of 4 stars). 9 submissions from 9 submitters: Uncertain significance (7); Likely benign (2). Last evaluated 2025-12-21.

Conditions:
Catecholaminergic polymorphic ventricular tachycardia 1. Also called: VENTRICULAR TACHYCARDIA, STRESS-INDUCED POLYMORPHIC 1; VENTRICULAR TACHYCARDIA, CATECHOLAMINERGIC POLYMORPHIC, 1, WITH OR WITHOUT ATRIAL DYSFUNCTION AND/OR DILATED CARDIOMYOPATHY; RYR2-Related Catecholaminergic Polymorphic Ventricular Tachycardia. Identifiers: Orphanet 3286, MedGen C1631597, MONDO:0011484, OMIM 604772.
Ventricular arrhythmias due to cardiac ryanodine receptor calcium release deficiency syndrome. Also called: Autosomal dominant cardiac arrhythmia (Kuhn). Identifiers: MedGen C5542154, MONDO:0020745, OMIM 115000.
Cardiovascular phenotype. Identifiers: MedGen CN230736.
Arrhythmogenic right ventricular dysplasia 2. Identifiers: MedGen C1832931.
Catecholaminergic polymorphic ventricular tachycardia (CVPT). Also called: Catecholamine-induced polymorphic ventricular tachycardia. Identifiers: Orphanet 3286, MedGen C5574922, MONDO:0017990.
Cardiomyopathy (CMYO). Also called: Cardiomyopathies. Identifiers: Orphanet 167848, MedGen C0878544, MONDO:0004994, HP:0001638. Inheritance: Various modes of inheritance.

Allele frequency attached by ClinVar (database versions not stated): gnomAD exomes 0.00001 and 0.00003; ExAC 0.00002; gnomAD 0.00003 and 0.00004; TOPMed 0.00004; ESP Exome Variant Server 0.00016.
gnomAD v4.1: 51 of 1,613,698 alleles (0.0032%); highest among the groups gnomAD compares: Non-Finnish European, 0.0042%; no homozygotes.

Submissions (9):

Ambry Genetics
Classification: Uncertain significance for Cardiovascular phenotype. Last evaluated: 2025-12-21. Review status: criteria provided, single submitter. Criteria: Ambry Variant Classification Scheme 2023. Collection method: clinical testing. Allele origin: germline.
Comment: The p.D849N variant (also known as c.2545G>A), located in coding exon 22 of the RYR2 gene, results from a G to A substitution at nucleotide position 2545. The aspartic acid at codon 849 is replaced by asparagine, an amino acid with highly similar properties. This variant was reported as an incidental finding in an exome cohort; however, clinical details were limited (Landstrom AP et al. Circ Arrhythm Electrophysiol, 2017 Apr;10:[Epub ahead of print]). This amino acid position is well conserved in available vertebrate species. In addition, this alteration is predicted to be tolerated by in silico analysis. Since supporting evidence is limited at this time, the clinical significance of this alteration remains unclear.

Labcorp Genetics (formerly Invitae), Labcorp
Classification: Likely benign for Catecholaminergic polymorphic ventricular tachycardia 1. Last evaluated: 2025-12-13. Review status: criteria provided, single submitter. Criteria: Invitae Variant Classification Sherloc (09022015). Collection method: clinical testing. Allele origin: germline.

Color Diagnostics, LLC DBA Color Health
Classification: Uncertain significance for Cardiomyopathy. Last evaluated: 2025-11-10. Review status: criteria provided, single submitter. Criteria: ACMG Guidelines, 2015. Collection method: clinical testing. Allele origin: germline.
Comment: This missense variant replaces aspartic acid with asparagine at codon 849 of the RYR2 protein. Computational prediction suggests that this variant may not impact protein structure and function. To our knowledge, functional studies have not been reported for this variant. This variant has not been reported in individuals affected with RYR2-related disorders in the literature. This variant has been identified in 51/1613698 chromosomes in the general population by the Genome Aggregation Database (gnomAD). The available evidence is insufficient to determine the role of this variant in disease conclusively. Therefore, this variant is classified as a Variant of Uncertain Significance.

Molecular Diagnostic Laboratory for Inherited Cardiovascular Disease, Montreal Heart Institute
Classification: Uncertain significance for Cardiovascular phenotype. Last evaluated: 2025-04-08. Review status: criteria provided, single submitter. Criteria: ACMG Guidelines, 2015. Collection method: clinical testing. Allele origin: germline. Affected: yes.
Comment: PP2

All of Us Research Program, National Institutes of Health
Classification: Uncertain significance for Catecholaminergic polymorphic ventricular tachycardia. Last evaluated: 2024-05-09. Review status: criteria provided, single submitter. Criteria: ACMG Guidelines, 2015. Collection method: clinical testing. Allele origin: germline. Inheritance: Autosomal dominant inheritance. Observed: 6 variant alleles, 6 heterozygotes.
Comment: This missense variant replaces aspartic acid with asparagine at codon 849 of the RYR2 protein. Computational prediction suggests that this variant may not impact protein structure and function (internally defined REVEL score threshold <= 0.5, PMID: 27666373). To our knowledge, functional studies have not been reported for this variant. This variant has not been reported in individuals affected with cardiovascular disorders in the literature. This variant has been identified in 4/280680 chromosomes in the general population by the Genome Aggregation Database (gnomAD). The available evidence is insufficient to determine the role of this variant in disease conclusively. Therefore, this variant is classified as a Variant of Uncertain Significance.

This study involves interpretation of variants in research participants for the purpose of population health screening. Participant phenotype was not available at the time of variant classification. Additional details can be found in publication PMID: 35346344, PMCID: PMC8962531

GeneDx
Classification: Uncertain significance. Last evaluated: 2023-08-22. Review status: criteria provided, single submitter. Criteria: GeneDx Variant Classification Process June 2021. Collection method: clinical testing. Allele origin: germline. Affected: yes.
Comment: Not observed at significant frequency in large population cohorts (gnomAD); In silico analysis supports that this missense variant does not alter protein structure/function; Not located in one of the three hot-spot regions of the RYR2 gene, where the majority of pathogenic missense variants occur (Medeiros-Domingo et al., 2009); Has not been previously published as pathogenic or benign to our knowledge; This variant is associated with the following publications: (PMID: 19926015)

Blueprint Genetics
Classification: Likely benign. Last evaluated: 2023-05-11. Review status: criteria provided, single submitter. Criteria: ACMG Guidelines, 2015. Collection method: clinical testing. Allele origin: germline.

Fulgent Genetics
Classification: Uncertain significance for Ventricular arrhythmias due to cardiac ryanodine receptor calcium release deficiency syndrome; Catecholaminergic polymorphic ventricular tachycardia 1. Last evaluated: 2021-09-30. Review status: criteria provided, single submitter. Criteria: ACMG Guidelines, 2015. Collection method: clinical testing. Allele origin: unknown.

Juno Genomics, Hangzhou Juno Genomics, Inc
Classification: Uncertain significance for Ventricular arrhythmias due to cardiac ryanodine receptor calcium release deficiency syndrome; Catecholaminergic polymorphic ventricular tachycardia 1. Review status: criteria provided, single submitter. Criteria: ACMG Guidelines, 2015. Collection method: clinical testing. Allele origin: germline. Affected: yes.
Comment: Absent from controls (or at extremely low frequency if recessive) in Genome Aggregation Database, Exome Sequencing Project, 1000 Genomes Project, or Exome Aggregation Consortium.

Literature cited by the submitters: PubMed 28404607 (cited by Ambry Genetics).

NM_001035.3(RYR2):c.2545G>A (p.Asp849Asn)

Gene: RYR2 (ryanodine receptor 2; plus strand). Cytogenetic location: 1q43.
Variant type: single nucleotide variant.
Coding change: c.2545G>A on transcript NM_001035.3 (MANE Select); coding-DNA position 2545, G replaced by A.
Protein change: p.Asp849Asn; replaces aspartic acid 849 with asparagine.
Molecular consequence: missense variant.
Genome position (GRCh38, 1-based): chr1:237,503,437, G>A. VCF-style: chr1-237503437-G-A. GRCh37 (hg19) VCF-style: chr1-237666737-G-A.
Other names: short protein forms D849N.
Identifiers: ClinVar variation 935174 (VCV000935174.28), dbSNP rs372569289, ClinGen allele CA086068.